The following is an entry in ClinVar:

NM_032737.4(LMNB2):c.404C>T (p.Ala135Val)

Gene: LMNB2 (lamin B2; minus strand). Cytogenetic location: 19p13.3.
Variant type: single nucleotide variant.
Coding change: c.404C>T on transcript NM_032737.4 (MANE Select); coding-DNA position 404, C replaced by T.
Protein change: p.Ala135Val; replaces alanine 135 with valine.
Molecular consequence: missense variant.
Genome position (GRCh38, 1-based): chr19:2,438,529, G>A on the plus strand (C>T on the coding strand, the complement: LMNB2 is on the minus strand). VCF-style: chr19-2438529-G-A. GRCh37 (hg19) VCF-style: chr19-2438527-G-A.
Other names: short protein forms A135V.
Identifiers: ClinVar variation 2950664 (VCV002950664.3), dbSNP rs2512238865, ClinGen allele CA403257956.
Genomic context (GRCh38, chr19:2,438,529, plus strand): 5'-AGGGACTCCAGGTCCTTCACACGGCCCTGGGCCACCGTAAGCTCGCCCTCCCTCTTCTTG[G>A]CGCTGAAAGTCAAGAGGGCAAGTGAGTGGGGAGGGGCAAGGTCCATGGGGCCACAGGGAG-3'
Protein context (NP_116126.3, residues 125-145): RAELDEVNKS[Ala135Val]KKREGELTVA

ClinVar aggregate classification (germline): Uncertain significance (1 of 4 stars; one submission).

Conditions:
Progressive myoclonic epilepsy type 9. Identifiers: Orphanet 457265, MedGen C4225289, MONDO:0014685, OMIM 616540.
Lipodystrophy, partial, acquired, susceptibility to (APLD). Also called: APLD, SUSCEPTIBILITY TO. Identifiers: MedGen C3887501, MONDO:0100476, OMIM 608709.

Submission:

Labcorp Genetics (formerly Invitae), Labcorp
Classification: Uncertain significance for Progressive myoclonic epilepsy type 9; Lipodystrophy, partial, acquired, susceptibility to. Last evaluated: 2023-08-04. Review status: criteria provided, single submitter. Criteria: Invitae Variant Classification Sherloc (09022015). Collection method: clinical testing. Allele origin: germline.
Comment: In summary, the available evidence is currently insufficient to determine the role of this variant in disease. Therefore, it has been classified as a Variant of Uncertain Significance. An algorithm developed to predict the effect of missense changes on protein structure and function (PolyPhen-2) suggests that this variant is likely to be tolerated. This variant has not been reported in the literature in individuals affected with LMNB2-related conditions. This variant is not present in population databases (gnomAD no frequency). This sequence change replaces alanine, which is neutral and non-polar, with valine, which is neutral and non-polar, at codon 135 of the LMNB2 protein (p.Ala135Val).